The following is an entry in ClinVar:

ClinVar aggregate classification (germline): Uncertain significance (1 of 4 stars; one submission).

Conditions:
Intellectual disability. Also called: Intellectual developmental disorder; Intellectual functioning disability; intellectual disabilities. Identifiers: MedGen C3714756, MeSH D008607, MONDO:0001071, HP:0001249.

Submission:

Labcorp Genetics (formerly Invitae), Labcorp
Classification: Uncertain significance for Intellectual disability. Last evaluated: 2024-09-27. Review status: criteria provided, single submitter. Criteria: Invitae Variant Classification Sherloc (09022015). Collection method: clinical testing. Allele origin: germline.
Comment: This sequence change replaces alanine, which is neutral and non-polar, with threonine, which is neutral and polar, at codon 346 of the GABRB2 protein (p.Ala346Thr). This variant is not present in population databases (gnomAD no frequency). This variant has not been reported in the literature in individuals affected with GABRB2-related conditions. Invitae Evidence Modeling of protein sequence and biophysical properties (such as structural, functional, and spatial information, amino acid conservation, physicochemical variation, residue mobility, and thermodynamic stability) indicates that this missense variant is not expected to disrupt GABRB2 protein function with a negative predictive value of 95%. In summary, the available evidence is currently insufficient to determine the role of this variant in disease. Therefore, it has been classified as a Variant of Uncertain Significance.

NM_001371727.1(GABRB2):c.1036G>A (p.Ala346Thr)

Gene: GABRB2 (gamma-aminobutyric acid type A receptor subunit beta2; minus strand). Cytogenetic location: 5q34.
Variant type: single nucleotide variant.
Coding change: c.1036G>A on transcript NM_001371727.1 (MANE Select); coding-DNA position 1036, G replaced by A.
Protein change: p.Ala346Thr; replaces alanine 346 with threonine.
Molecular consequence: missense variant.
Genome position (GRCh38, 1-based): chr5:161,330,924, C>T on the plus strand (G>A on the coding strand, the complement: GABRB2 is on the minus strand). VCF-style: chr5-161330924-C-T. GRCh37 (hg19) VCF-style: chr5-160757931-C-T.
Other names: c.1036G>A, p.Ala346Thr (NM_000813.3, NM_021911.3); short protein forms A346T.
Identifiers: ClinVar variation 3689008 (VCV003689008.2).
Genomic context (GRCh38, chr5:161,330,924, plus strand): 5'-GCTTGCCCTCTGAATTTACCTTGTTGACATCCAGGCGCATCTTCTCATTGTTGGCACTGG[C>T]AGCCTTCTCAGCTGCTTTCTTTTGGCGTTGGGGCCCCCTCCCAAAGAAGATGTAGTTGAC-3'
Protein context (NP_001358656.1, residues 336-356): QRQKKAAEKA[Ala346Thr]SANNEKMRLD